The following is an entry in ClinVar:

NM_000135.4(FANCA):c.914A>C (p.His305Pro)

Gene: FANCA (FA complementation group A; minus strand). Cytogenetic location: 16q24.3.
Variant type: single nucleotide variant.
Coding change: c.914A>C on transcript NM_000135.4 (MANE Select); coding-DNA position 914, A replaced by C.
Protein change: p.His305Pro; replaces histidine 305 with proline.
Molecular consequence: missense variant.
Genome position (GRCh38, 1-based): chr16:89,795,998, T>G on the plus strand (A>C on the coding strand, the complement: FANCA is on the minus strand). VCF-style: chr16-89795998-T-G. GRCh37 (hg19) VCF-style: chr16-89862406-T-G.
Other names: c.914A>C, p.His305Pro (NM_001286167.3); short protein forms H305P.
Identifiers: ClinVar variation 2681914 (VCV002681914.2), dbSNP rs770384004, ClinGen allele CA8252631.

ClinVar aggregate classification (germline): Uncertain significance. Review status: criteria provided, multiple submitters, no conflicts (2 of 4 stars). 2 submissions from 2 submitters: Uncertain significance (2). Last evaluated 2024-12-10.

Conditions:
Inborn genetic diseases. Identifiers: MedGen C0950123, MeSH D030342.

Allele frequency attached by ClinVar (database versions not stated): gnomAD exomes 0.00001; ExAC 0.00002; gnomAD 0.00002.
gnomAD v4.1: 12 of 1,613,970 alleles (0.00074%); highest among the groups gnomAD compares: Non-Finnish European, 0.00093%; no homozygotes.

Submissions (2):

Ambry Genetics
Classification: Uncertain significance for Inborn genetic diseases. Last evaluated: 2024-12-10. Review status: criteria provided, single submitter. Criteria: Ambry Variant Classification Scheme 2023. Collection method: clinical testing. Allele origin: germline.
Comment: The p.H305P variant (also known as c.914A>C), located in coding exon 11 of the FANCA gene, results from an A to C substitution at nucleotide position 914. The histidine at codon 305 is replaced by proline, an amino acid with similar properties. This amino acid position is conserved. In addition, this alteration is predicted to be tolerated by in silico analysis. Based on the available evidence, the clinical significance of this variant remains unclear.

Quest Diagnostics Nichols Institute San Juan Capistrano
Classification: Uncertain significance. Last evaluated: 2022-10-05. Review status: criteria provided, single submitter. Criteria: Quest Diagnostics criteria. Collection method: clinical testing. Allele origin: unknown.
Comment: This variant has not been reported in the published literature. The frequency of this variant in the general population, 0.000031 (4/129120 chromosomes), is uninformative in assessment of its pathogenicity. Analysis of this variant using bioinformatics tools for the prediction of the effect of amino acid changes on protein structure and function yielded predictions that this variant is benign. Based on the available information, we are unable to determine the clinical significance of this variant.